The following is an entry in ClinVar:

ClinVar aggregate classification (germline): Uncertain significance (1 of 4 stars; one submission).

Allele frequency attached by ClinVar (database versions not stated): ExAC 0.00002; gnomAD exomes 0.00003; gnomAD 0.00005 and 0.00006; TOPMed 0.00005; ESP Exome Variant Server 0.00015; 1000 Genomes Project 30x 0.00016; 1000 Genomes Project 0.00020.
gnomAD v4.1: 32 of 1,614,022 alleles (0.002%); highest among the groups gnomAD compares: African/African-American, 0.0093%; no homozygotes.

Submission:

Labcorp Genetics (formerly Invitae), Labcorp
Classification: Uncertain significance. Last evaluated: 2025-06-02. Review status: criteria provided, single submitter. Criteria: Invitae Variant Classification Sherloc (09022015). Collection method: clinical testing. Allele origin: germline.
Comment: This sequence change replaces arginine with tryptophan at codon 97 of the UNC45A protein (p.Arg97Trp). The arginine residue is highly conserved and there is a moderate physicochemical difference between arginine and tryptophan. This variant is present in population databases (rs143009288, gnomAD 0.01%). This variant has not been reported in the literature in individuals affected with UNC45A-related conditions. ClinVar contains an entry for this variant (Variation ID: 1476317). Invitae Evidence Modeling of protein sequence and biophysical properties (such as structural, functional, and spatial information, amino acid conservation, physicochemical variation, residue mobility, and thermodynamic stability) indicates that this missense variant is expected to disrupt UNC45A protein function with a positive predictive value of 80%. In summary, the available evidence is currently insufficient to determine the role of this variant in disease. Therefore, it has been classified as a Variant of Uncertain Significance.

NM_018671.5(UNC45A):c.289C>T (p.Arg97Trp)

Gene: UNC45A (unc-45 myosin chaperone A; plus strand). Cytogenetic location: 15q26.1.
Variant type: single nucleotide variant.
Coding change: c.289C>T on transcript NM_018671.5 (MANE Select); coding-DNA position 289, C replaced by T.
Protein change: p.Arg97Trp; replaces arginine 97 with tryptophan.
Molecular consequence: missense variant. On other transcripts: 5 prime UTR variant (1).
Genome position (GRCh38, 1-based): chr15:90,936,323, C>T. VCF-style: chr15-90936323-C-T. GRCh37 (hg19) VCF-style: chr15-91479553-C-T.
Other names: c.244C>T, p.Arg82Trp (NM_001039675.2, NM_001323621.2); c.289C>T, p.Arg97Trp (NM_001323619.1); c.-147C>T (NM_001323620.2); short protein forms R82W, R97W.
Identifiers: ClinVar variation 1476317 (VCV001476317.6), dbSNP rs143009288, ClinGen allele CA7742494.